The following is an entry in ClinVar:

NM_000626.4(CD79B):c.47C>T (p.Ala16Val)

Genes: CD79B (CD79b molecule; minus strand), GH-LCR (growth hormone locus control region; plus strand). Cytogenetic location: 17q23.3.
Variant type: single nucleotide variant.
Coding change: c.47C>T on transcript NM_000626.4 (MANE Select); coding-DNA position 47, C replaced by T.
Protein change: p.Ala16Val; replaces alanine 16 with valine.
Molecular consequence: missense variant.
Genome position (GRCh38, 1-based): chr17:63,932,215, G>A on the plus strand (C>T on the coding strand, the complement: CD79B is on the minus strand). VCF-style: chr17-63932215-G-A. GRCh37 (hg19) VCF-style: chr17-62009575-G-A.
Other names: c.47C>T, p.Ala16Val (NM_001039933.3, NM_001329050.2, NM_021602.4); short protein forms A16V.
Identifiers: ClinVar variation 849963 (VCV000849963.5), dbSNP rs114330958, ClinGen allele CA8708694.

ClinVar aggregate classification (germline): Uncertain significance (1 of 4 stars; one submission).

Conditions:
Agammaglobulinemia 6, autosomal recessive (AGM6). Also called: AGAMMAGLOBULINEMIA 6; AGAMMAGLOBULINEMIA, AUTOSOMAL RECESSIVE, DUE TO CD79B DEFECT. Identifiers: MedGen C3150207, MONDO:0012987, OMIM 612692.

Allele frequency attached by ClinVar (database versions not stated): gnomAD 0.00002 and 0.00003; TOPMed 0.00003; gnomAD exomes 0.00004 and 0.00006; ExAC 0.00005; ESP Exome Variant Server 0.00008; 1000 Genomes Project 30x 0.00031; 1000 Genomes Project 0.00040.
gnomAD v4.1: 74 of 1,613,120 alleles (0.0046%); highest among the groups gnomAD compares: East Asian, 0.022%; 1 homozygote.

Submission:

Labcorp Genetics (formerly Invitae), Labcorp
Classification: Uncertain significance for Agammaglobulinemia 6, autosomal recessive. Last evaluated: 2022-10-24. Review status: criteria provided, single submitter. Criteria: Invitae Variant Classification Sherloc (09022015). Collection method: clinical testing. Allele origin: germline.
Comment: This sequence change replaces alanine, which is neutral and non-polar, with valine, which is neutral and non-polar, at codon 16 of the CD79B protein (p.Ala16Val). This variant is present in population databases (rs114330958, gnomAD 0.02%). This variant has not been reported in the literature in individuals affected with CD79B-related conditions. ClinVar contains an entry for this variant (Variation ID: 849963). Algorithms developed to predict the effect of missense changes on protein structure and function output the following: SIFT: "Not Available"; PolyPhen-2: "Benign"; Align-GVGD: "Not Available". The valine amino acid residue is found in multiple mammalian species, which suggests that this missense change does not adversely affect protein function. In summary, the available evidence is currently insufficient to determine the role of this variant in disease. Therefore, it has been classified as a Variant of Uncertain Significance.